The following is an entry in ClinVar:

NM_001031689.3(PLAA):c.870-3C>T

Gene: PLAA (phospholipase A2 activating protein; minus strand). Cytogenetic location: 9p21.2.
Variant type: single nucleotide variant.
Coding change: c.870-3C>T on transcript NM_001031689.3 (MANE Select); 3 bases into the intron before coding-DNA position 870, C replaced by T.
Molecular consequence: intron variant.
Genome position (GRCh38, 1-based): chr9:26,923,350, G>A on the plus strand (C>T on the coding strand, the complement: PLAA is on the minus strand). VCF-style: chr9-26923350-G-A. GRCh37 (hg19) VCF-style: chr9-26923348-G-A.
Other names: c.870-3C>T (NM_001321546.2).
Identifiers: ClinVar variation 4751114 (VCV004751114.1).

ClinVar aggregate classification (germline): Uncertain significance (1 of 4 stars; one submission).

gnomAD v4.1: 2 of 1,590,584 alleles (0.00013%); highest among the groups gnomAD compares: Admixed American, 0.0035%; no homozygotes.

Submission:

Labcorp Genetics (formerly Invitae), Labcorp
Classification: Uncertain significance. Last evaluated: 2025-07-28. Review status: criteria provided, single submitter. Criteria: Invitae Variant Classification Sherloc (09022015). Collection method: clinical testing. Allele origin: germline.
Comment: This sequence change falls in intron 6 of the PLAA gene. It does not directly change the encoded amino acid sequence of the PLAA protein. It affects a nucleotide within the consensus splice site. This variant is not present in population databases (gnomAD no frequency). This variant has not been reported in the literature in individuals affected with PLAA-related conditions. Variants that disrupt the consensus splice site are a relatively common cause of aberrant splicing (PMID: 17576681, 9536098). Algorithms developed to predict the effect of sequence changes on RNA splicing suggest that this variant is not likely to affect RNA splicing. In summary, the available evidence is currently insufficient to determine the role of this variant in disease. Therefore, it has been classified as a Variant of Uncertain Significance.

Literature cited by the submitters: PubMed 17576681; PubMed 9536098.